The following is an entry in ClinVar:

ClinVar aggregate classification (germline): Uncertain significance (1 of 4 stars; one submission).

Submission:

Labcorp Genetics (formerly Invitae), Labcorp
Classification: Uncertain significance. Last evaluated: 2023-07-03. Review status: criteria provided, single submitter. Criteria: Invitae Variant Classification Sherloc (09022015). Collection method: clinical testing. Allele origin: germline.
Comment: This variant is not present in population databases (gnomAD no frequency). This variant has not been reported in the literature in individuals affected with C1QTNF5-related conditions. Algorithms developed to predict the effect of sequence changes on RNA splicing suggest that this variant is not likely to affect RNA splicing. In summary, the available evidence is currently insufficient to determine the role of this variant in disease. Therefore, it has been classified as a Variant of Uncertain Significance. This sequence change affects codon 71 of the C1QTNF5 mRNA. It is a 'silent' change, meaning that it does not change the encoded amino acid sequence of the C1QTNF5 protein. It affects a nucleotide within the consensus splice site.

NM_001278431.2(C1QTNF5):c.213G>C (p.Pro71=)

Genes: C1QTNF5 (C1q and TNF related 5; minus strand), MFRP (membrane frizzled-related protein; minus strand). Cytogenetic location: 11q23.3.
Variant type: single nucleotide variant.
Coding change: c.213G>C on transcript NM_001278431.2 (MANE Select); coding-DNA position 213, G replaced by C.
Protein change: p.Pro71=; no amino-acid change (proline 71 retained).
Molecular consequence: synonymous variant. On other transcripts: 3 prime UTR variant (1).
Genome position (GRCh38, 1-based): chr11:119,340,185, C>G on the plus strand (G>C on the coding strand, the complement: C1QTNF5 is on the minus strand). VCF-style: chr11-119340185-C-G. GRCh37 (hg19) VCF-style: chr11-119210895-C-G.
Other names: c.213G>C, p.Pro71= (NM_015645.5); c.*1109G>C (NM_031433.4).
Identifiers: ClinVar variation 2861885 (VCV002861885.3), dbSNP rs1296310915, ClinGen allele CA477154952.